The following is an entry in ClinVar:

ClinVar aggregate classification (germline): Uncertain significance (1 of 4 stars; one submission).

Submission:

GeneDx
Classification: Uncertain significance. Last evaluated: 2024-05-14. Review status: criteria provided, single submitter. Criteria: GeneDx Variant Classification Process June 2021. Collection method: clinical testing. Allele origin: germline. Affected: yes.
Comment: Not observed at significant frequency in large population cohorts (gnomAD); In silico analysis supports that this missense variant has a deleterious effect on protein structure/function; Has not been previously published as pathogenic or benign to our knowledge

NM_001271.4(CHD2):c.3554T>C (p.Met1185Thr)

Gene: CHD2 (chromodomain helicase DNA binding protein 2; plus strand). Cytogenetic location: 15q26.1.
Variant type: single nucleotide variant.
Coding change: c.3554T>C on transcript NM_001271.4 (MANE Select); coding-DNA position 3554, T replaced by C.
Protein change: p.Met1185Thr; replaces methionine 1185 with threonine.
Molecular consequence: missense variant.
Genome position (GRCh38, 1-based): chr15:92,992,957, T>C. VCF-style: chr15-92992957-T-C. GRCh37 (hg19) VCF-style: chr15-93536187-T-C.
Other names: short protein forms M1185T.
Identifiers: ClinVar variation 3381487 (VCV003381487.1).